The following is an entry in ClinVar:

NM_001376571.1(MADD):c.1972del (p.Asp658fs)

Gene: MADD (MAP kinase activating death domain; plus strand). Cytogenetic location: 11p11.2.
Variant type: Deletion.
Coding change: c.1972del on transcript NM_001376571.1 (MANE Select); coding-DNA position 1972, one base deleted (G; older notation c.1972delG).
Protein change: p.Asp658fs; shifts the reading frame from aspartic acid 658.
Molecular consequence: frameshift variant. On other transcripts: non-coding transcript variant (7), intron variant (1).
Genome position (GRCh38, 1-based): chr11:47,284,380, G deleted; the last of 2 consecutive G bases (chr11:47,284,379-47,284,380); deleting either gives the same sequence. VCF-style (leftmost placement, unchanged base first): chr11-47284378-TG-T. GRCh37 (hg19) VCF-style: chr11-47305929-TG-T.
Other names: c.1972del, p.Asp658fs (NM_130470.3, NM_130471.3, NM_130472.3 and 79 more transcripts); c.1768del, p.Asp590fs (NM_001376620.1, NM_001376626.1, NM_001376627.1 and 9 more transcripts); c.1306del, p.Asp436fs (NM_001376663.1); c.1967-19del (NM_001376602.1); short protein forms D436fs, D590fs, D658fs.
Identifiers: ClinVar variation 4530934 (VCV004530934.1).

ClinVar aggregate classification (germline): Likely pathogenic (1 of 4 stars; one submission).

Submission:

GeneDx
Classification: Likely pathogenic. Last evaluated: 2025-05-20. Review status: criteria provided, single submitter. Criteria: GeneDx Variant Classification Process June 2021. Collection method: clinical testing. Allele origin: germline. Affected: yes.
Comment: Frameshift variant predicted to result in protein truncation or nonsense mediated decay in a gene for which loss of function is a known mechanism of disease; Not observed at significant frequency in large population cohorts (gnomAD); Has not been previously published as pathogenic or benign to our knowledge